The following is an entry in ClinVar:

ClinVar aggregate classification (germline): Uncertain significance. Review status: criteria provided, multiple submitters, no conflicts (2 of 4 stars). 4 submissions from 4 submitters: Uncertain significance (4). Last evaluated 2026-04-05.

Conditions:
Inborn genetic diseases. Identifiers: MedGen C0950123, MeSH D030342.

gnomAD v4.1: 14 of 1,613,760 alleles (0.00087%); highest among the groups gnomAD compares: East Asian, 0.0045%; no homozygotes.

Submissions (4):

GeneDx
Classification: Uncertain significance. Last evaluated: 2026-04-05. Review status: criteria provided, single submitter. Criteria: GeneDx Variant Classification Process June 2021. Collection method: clinical testing. Allele origin: germline.
Comment: Not observed at significant frequency in large population cohorts (gnomAD); In silico analysis supports that this missense variant has a deleterious effect on protein structure/function; Has not been previously published as pathogenic or benign to our knowledge

Dasa
Classification: Uncertain significance. Last evaluated: 2025-12-19. Review status: criteria provided, single submitter. Criteria: DASA Assertion Criteria. Collection method: clinical testing. Allele origin: germline.
Comment: NM_000478.6(ALPL):c.412C>T (p.Arg138Trp) is a missense variant that results in the substitution of arginine with tryptophan. The affected residue or protein region has prior evidence supporting clinical relevance. This variant is rare in population databases. The currently available literature and clinical evidence are not sufficient to establish a definitive association between this variant and the reported condition. Therefore, this variant is classified as a variant of uncertain significance.

Ambry Genetics
Classification: Uncertain significance for Inborn genetic diseases. Last evaluated: 2025-09-11. Review status: criteria provided, single submitter. Criteria: Ambry Variant Classification Scheme 2023. Collection method: clinical testing. Allele origin: germline.

Labcorp Genetics (formerly Invitae), Labcorp
Classification: Uncertain significance. Last evaluated: 2024-12-04. Review status: criteria provided, single submitter. Criteria: Invitae Variant Classification Sherloc (09022015). Collection method: clinical testing. Allele origin: germline.
Comment: This sequence change replaces arginine, which is basic and polar, with tryptophan, which is neutral and slightly polar, at codon 138 of the ALPL protein (p.Arg138Trp). This variant is present in population databases (rs748874853, gnomAD 0.003%). This variant has not been reported in the literature in individuals affected with ALPL-related conditions. Invitae Evidence Modeling of protein sequence and biophysical properties (such as structural, functional, and spatial information, amino acid conservation, physicochemical variation, residue mobility, and thermodynamic stability) has been performed for this missense variant. However, the output from this modeling did not meet the statistical confidence thresholds required to predict the impact of this variant on ALPL protein function. In summary, the available evidence is currently insufficient to determine the role of this variant in disease. Therefore, it has been classified as a Variant of Uncertain Significance.

NM_000478.6(ALPL):c.412C>T (p.Arg138Trp)

Gene: ALPL (alkaline phosphatase, biomineralization associated; plus strand). Cytogenetic location: 1p36.12.
Variant type: single nucleotide variant.
Coding change: c.412C>T on transcript NM_000478.6 (MANE Select); coding-DNA position 412, C replaced by T.
Protein change: p.Arg138Trp; replaces arginine 138 with tryptophan.
Molecular consequence: missense variant.
Genome position (GRCh38, 1-based): chr1:21,563,224, C>T. VCF-style: chr1-21563224-C-T. GRCh37 (hg19) VCF-style: chr1-21889717-C-T.
Other names: c.247C>T, p.Arg83Trp (NM_001127501.4); c.181C>T, p.Arg61Trp (NM_001177520.3); c.412C>T, p.Arg138Trp (NM_001369803.2, NM_001369804.2, NM_001369805.2); c.412C>T (NM_000478.4); short protein forms R138W, R61W, R83W.
Identifiers: ClinVar variation 3705263 (VCV003705263.5).